The following is an entry in ClinVar:

NM_007294.4(BRCA1):c.2498T>C (p.Leu833Ser)

Gene: BRCA1 (BRCA1 DNA repair associated; minus strand). Cytogenetic location: 17q21.31.
Variant type: single nucleotide variant.
Coding change: c.2498T>C on transcript NM_007294.4 (MANE Select); coding-DNA position 2498, T replaced by C.
Protein change: p.Leu833Ser; replaces leucine 833 with serine.
Molecular consequence: missense variant. On other transcripts: intron variant (137).
Genome position (GRCh38, 1-based): chr17:43,093,033, A>G on the plus strand (T>C on the coding strand, the complement: BRCA1 is on the minus strand). VCF-style: chr17-43093033-A-G. GRCh37 (hg19) VCF-style: chr17-41245050-A-G.
Other names: c.2375T>C, p.Leu792Ser (NM_001407665.1, NM_001407664.1, NM_001407666.1 and 19 more transcripts); c.2372T>C, p.Leu791Ser (NM_001407670.1, NM_001407671.1, NM_001407672.1 and 11 more transcripts); c.2498T>C, p.Leu833Ser (NM_001407641.1, NM_001407642.1, NM_001407652.1 and 30 more transcripts); c.2495T>C, p.Leu832Ser (NM_001407644.1, NM_001407645.1, NM_001407860.1 and 22 more transcripts); c.2489T>C, p.Leu830Ser (NM_001407646.1, NM_001407647.1); c.2420T>C, p.Leu807Ser (NM_001407653.1, NM_001407654.1, NM_001407655.1 and 4 more transcripts); c.2417T>C, p.Leu806Ser (NM_001407659.1, NM_001407660.1, NM_001407661.1 and 1 more transcripts); c.2357T>C, p.Leu786Ser (NM_001407692.1, NM_001407694.1, NM_001407695.1 and 29 more transcripts); and 41 more; short protein forms L706S, L721S, L722S, L785S, L791S, L806S, L833S, L537S.
Identifiers: ClinVar variation 3634668 (VCV003634668.2).

ClinVar aggregate classification (germline): Uncertain significance (1 of 4 stars; one submission).

Conditions:
Hereditary breast ovarian cancer syndrome. Also called: Hereditary breast and ovarian cancer syndrome; Hereditary breast and ovarian cancer syndrome (HBOC); BRCA1- and BRCA2-Associated Hereditary Breast and Ovarian Cancer; Hereditary breast and ovarian cancer; Breast and ovarian cancer; Hereditary breast and/or ovarian cancer syndrome. Identifiers: Orphanet 145, MedGen C0677776, MeSH D061325, MONDO:0003582. Disease mechanism: loss of function.

Submission:

Labcorp Genetics (formerly Invitae), Labcorp
Classification: Uncertain significance for Hereditary breast ovarian cancer syndrome. Last evaluated: 2024-09-23. Review status: criteria provided, single submitter. Criteria: Invitae Variant Classification Sherloc (09022015). Collection method: clinical testing. Allele origin: germline.
Comment: This sequence change replaces leucine, which is neutral and non-polar, with serine, which is neutral and polar, at codon 833 of the BRCA1 protein (p.Leu833Ser). This variant is not present in population databases (gnomAD no frequency). This variant has not been reported in the literature in individuals affected with BRCA1-related conditions. Invitae Evidence Modeling of protein sequence and biophysical properties (such as structural, functional, and spatial information, amino acid conservation, physicochemical variation, residue mobility, and thermodynamic stability) indicates that this missense variant is not expected to disrupt BRCA1 protein function with a negative predictive value of 95%. In summary, the available evidence is currently insufficient to determine the role of this variant in disease. Therefore, it has been classified as a Variant of Uncertain Significance.